The following is an entry in ClinVar:

NM_182641.4(BPTF):c.4981G>A (p.Val1661Met)

Gene: BPTF (bromodomain PHD finger transcription factor; plus strand). Cytogenetic location: 17q24.2.
Variant type: single nucleotide variant.
Coding change: c.4981G>A on transcript NM_182641.4 (MANE Select); coding-DNA position 4981, G replaced by A.
Protein change: p.Val1661Met; replaces valine 1661 with methionine.
Molecular consequence: missense variant.
Genome position (GRCh38, 1-based): chr17:67,912,865, G>A. VCF-style: chr17-67912865-G-A. GRCh37 (hg19) VCF-style: chr17-65908981-G-A.
Other names: c.5359G>A, p.Val1787Met (NM_004459.7); short protein forms V1661M, V1787M.
Identifiers: ClinVar variation 2061486 (VCV002061486.4), dbSNP rs2511507760, ClinGen allele CA400731452.

ClinVar aggregate classification (germline): Uncertain significance (1 of 4 stars; one submission).

Allele frequency attached by ClinVar (database versions not stated): gnomAD exomes below 0.00001.
gnomAD v4.1: 1 of 1,614,138 alleles (0.000062%); highest among the groups gnomAD compares: Non-Finnish European, 0.000085%; no homozygotes.

Submission:

Labcorp Genetics (formerly Invitae), Labcorp
Classification: Uncertain significance. Last evaluated: 2026-02-01. Review status: criteria provided, single submitter. Criteria: Invitae Variant Classification Sherloc (09022015). Collection method: clinical testing. Allele origin: germline.
Comment: This sequence change replaces valine, which is neutral and non-polar, with methionine, which is neutral and non-polar, at codon 1787 of the BPTF protein (p.Val1787Met). This variant is not present in population databases (gnomAD no frequency). This variant has not been reported in the literature in individuals affected with BPTF-related conditions. ClinVar contains an entry for this variant (Variation ID: 2061486). An algorithm developed to predict the effect of missense changes on protein structure and function (PolyPhen-2) suggests that this variant is likely to be disruptive. In summary, the available evidence is currently insufficient to determine the role of this variant in disease. Therefore, it has been classified as a Variant of Uncertain Significance.